The following is an entry in ClinVar:

ClinVar aggregate classification (germline): Benign/Likely benign. Review status: criteria provided, multiple submitters, no conflicts (2 of 4 stars). 14 submissions from 13 submitters: Benign (7); Likely benign (2). 5 of the submissions do not count toward it. Last evaluated 2026-02-04.

Conditions:
Cardiomyopathy (CMYO). Also called: Cardiomyopathies. Identifiers: Orphanet 167848, MedGen C0878544, MONDO:0004994, HP:0001638. Inheritance: Various modes of inheritance.
Catecholaminergic polymorphic ventricular tachycardia 1. Also called: VENTRICULAR TACHYCARDIA, STRESS-INDUCED POLYMORPHIC 1; VENTRICULAR TACHYCARDIA, CATECHOLAMINERGIC POLYMORPHIC, 1, WITH OR WITHOUT ATRIAL DYSFUNCTION AND/OR DILATED CARDIOMYOPATHY; RYR2-Related Catecholaminergic Polymorphic Ventricular Tachycardia. Identifiers: Orphanet 3286, MedGen C1631597, MONDO:0011484, OMIM 604772.
Arrhythmogenic right ventricular dysplasia 2. Identifiers: MedGen C1832931.

Allele frequency attached by ClinVar (database versions not stated): ESP Exome Variant Server 0.00687; gnomAD 0.00700 and 0.00722; TOPMed 0.00736; gnomAD exomes 0.00926 and 0.01071; 1000 Genomes Project 0.01078; 1000 Genomes Project 30x 0.01109; ExAC 0.01456.
gnomAD v4.1: 15,895 of 1,532,162 alleles (1%); highest among the groups gnomAD compares: South Asian, 2.1%; 122 homozygotes.

Submissions (14):

Labcorp Genetics (formerly Invitae), Labcorp
Classification: Benign for Catecholaminergic polymorphic ventricular tachycardia 1. Last evaluated: 2026-02-04. Review status: criteria provided, single submitter. Criteria: Invitae Variant Classification Sherloc (09022015). Collection method: clinical testing. Allele origin: germline.

Molecular Diagnostic Laboratory for Inherited Cardiovascular Disease, Montreal Heart Institute
Classification: Benign. Last evaluated: 2025-04-09. Review status: criteria provided, single submitter. Criteria: ACMG Guidelines, 2015. Collection method: clinical testing. Allele origin: germline. Affected: no.

Blueprint Genetics
Classification: Benign. Last evaluated: 2024-11-21. Review status: criteria provided, single submitter. Criteria: ACMG Guidelines, 2015. Collection method: clinical testing. Allele origin: germline.

ARUP Laboratories, Molecular Genetics and Genomics, ARUP Laboratories
Classification: Benign. Last evaluated: 2024-08-02. Review status: criteria provided, single submitter. Criteria: ARUP Molecular Germline Variant Investigation Process 2024. Collection method: clinical testing. Allele origin: germline.

Illumina Laboratory Services, Illumina
Classification: Likely benign for Catecholaminergic polymorphic ventricular tachycardia 1. Last evaluated: 2018-01-13. Review status: criteria provided, single submitter. Criteria: ICSL Variant Classification Criteria 13 December 2019. Collection method: clinical testing. Allele origin: germline.
Comment: This variant was observed in the ICSL laboratory as part of a predisposition screen in an ostensibly healthy population. It had not been previously curated by ICSL or reported in the Human Gene Mutation Database (HGMD: prior to June 1st, 2018), and was therefore a candidate for classification through an automated scoring system. Utilizing variant allele frequency, disease prevalence and penetrance estimates, and inheritance mode, an automated score was calculated to assess if this variant is too frequent to cause the disease. Based on the score and internal cut-off values, a variant classified as likely benign is not then subjected to further curation. The score for this variant resulted in a classification of likely benign for this disease.

Illumina Laboratory Services, Illumina
Classification: Benign for Catecholaminergic polymorphic ventricular tachycardia 1. Last evaluated: 2018-01-13. Review status: criteria provided, single submitter. Criteria: ICSL Variant Classification Criteria 13 December 2019. Collection method: clinical testing. Allele origin: germline.
Comment: This variant was observed in the ICSL laboratory as part of a predisposition screen in an ostensibly healthy population. It had not been previously curated by ICSL or reported in the Human Gene Mutation Database (HGMD: prior to June 1st, 2018), and was therefore a candidate for classification through an automated scoring system. Utilizing variant allele frequency, disease prevalence and penetrance estimates, and inheritance mode, an automated score was calculated to assess if this variant is too frequent to cause the disease. Based on the score and internal cut-off values, a variant classified as benign is not then subjected to further curation. The score for this variant resulted in a classification of benign for this disease.

GeneDx
Classification: Benign. Last evaluated: 2015-03-03. Review status: criteria provided, single submitter. Criteria: GeneDx Variant Classification Process June 2021. Collection method: clinical testing. Allele origin: germline. Affected: yes.

Laboratory for Molecular Medicine, Mass General Brigham Personalized Medicine
Classification: Benign. Last evaluated: 2012-01-18. Review status: criteria provided, single submitter. Criteria: LMM Criteria. Collection method: clinical testing. Allele origin: germline. Observed: 30 variant alleles.

Breakthrough Genomics
Classification: Likely benign. Review status: criteria provided, single submitter. Criteria: ACMG Guidelines, 2015. Collection method: not provided. Allele origin: germline. Inheritance: Autosomal dominant inheritance. Affected: yes.

Women's Health and Genetics/Laboratory Corporation of America, LabCorp
Classification: Benign for Cardiomyopathy. Last evaluated: 2015-05-13. Review status: no assertion criteria provided. Collection method: clinical testing. Allele origin: germline. Not counted in ClinVar's aggregate classification.

Clinical Genetics DNA and cytogenetics Diagnostics Lab, Erasmus MC, Erasmus Medical Center
Classification: Benign. Review status: no assertion criteria provided. Collection method: clinical testing. Allele origin: germline. Affected: yes. Study: VKGL Data-share Consensus. Not counted in ClinVar's aggregate classification.

Clinical Genetics, Academic Medical Center
Classification: Benign. Review status: no assertion criteria provided. Collection method: clinical testing. Allele origin: germline. Affected: yes. Study: VKGL Data-share Consensus. Not counted in ClinVar's aggregate classification.

Genome Diagnostics Laboratory, University Medical Center Utrecht
Classification: Benign. Review status: no assertion criteria provided. Collection method: clinical testing. Allele origin: germline. Affected: yes. Study: VKGL Data-share Consensus. Not counted in ClinVar's aggregate classification.

Joint Genome Diagnostic Labs from Nijmegen and Maastricht, Radboudumc and MUMC+
Classification: Benign. Review status: no assertion criteria provided. Collection method: clinical testing. Allele origin: germline. Affected: yes. Study: VKGL Data-share Consensus. Not counted in ClinVar's aggregate classification.

NM_001035.3(RYR2):c.13260+14A>G

Genes: RYR2 (ryanodine receptor 2; plus strand), LOC126806068 (BRD4-independent group 4 enhancer GRCh37_chr1:237947411-237948610; plus strand). Cytogenetic location: 1q43.
Variant type: single nucleotide variant.
Coding change: c.13260+14A>G on transcript NM_001035.3 (MANE Select); 14 bases into the intron after coding-DNA position 13260, A replaced by G.
Molecular consequence: intron variant.
Genome position (GRCh38, 1-based): chr1:237,784,986, A>G. VCF-style: chr1-237784986-A-G. GRCh37 (hg19) VCF-style: chr1-237948286-A-G.
Identifiers: ClinVar variation 36732 (VCV000036732.33), dbSNP rs141528541, ClinGen allele CA007844.